The following is an entry in ClinVar:

NM_000255.4(MMUT):c.1897G>C (p.Val633Leu)

Gene: MMUT (methylmalonyl-CoA mutase; minus strand). Cytogenetic location: 6p12.3.
Variant type: single nucleotide variant.
Coding change: c.1897G>C on transcript NM_000255.4 (MANE Select); coding-DNA position 1897, G replaced by C.
Protein change: p.Val633Leu; replaces valine 633 with leucine.
Molecular consequence: missense variant.
Genome position (GRCh38, 1-based): chr6:49,440,265, C>G on the plus strand (G>C on the coding strand, the complement: MMUT is on the minus strand). VCF-style: chr6-49440265-C-G. GRCh37 (hg19) VCF-style: chr6-49407978-C-G.
Other names: short protein forms V633L.
Identifiers: ClinVar variation 2793352 (VCV002793352.3), dbSNP rs1767238331, ClinGen allele CA364395088.
Genomic context (GRCh38, chr6:49,440,265, plus strand): 5'-CCTGGAAAAGAGGGCCTATGTCCACATCAAAACCAAGATCAGCAAATCCTGTAGCAATAA[C>G]TTTTGCTCCTCTGTCATGGCCATCTTGTCCCATTTTTGCTACAAGAAGACGAGGTCTGCG-3'
Protein context (NP_000246.2, residues 623-643): GQDGHDRGAK[Val633Leu]IATGFADLGF

ClinVar aggregate classification (germline): Likely pathogenic (1 of 4 stars; one submission).

Submission:

Labcorp Genetics (formerly Invitae), Labcorp
Classification: Likely pathogenic. Last evaluated: 2025-07-19. Review status: criteria provided, single submitter. Criteria: Invitae Variant Classification Sherloc (09022015). Collection method: clinical testing. Allele origin: germline.
Comment: This sequence change replaces valine, which is neutral and non-polar, with leucine, which is neutral and non-polar, at codon 633 of the MUT protein (p.Val633Leu). This variant is not present in population databases (gnomAD no frequency). This variant has not been reported in the literature in individuals affected with MUT-related conditions. ClinVar contains an entry for this variant (Variation ID: 2793352). Invitae Evidence Modeling of protein sequence and biophysical properties (such as structural, functional, and spatial information, amino acid conservation, physicochemical variation, residue mobility, and thermodynamic stability) indicates that this missense variant is expected to disrupt MUT protein function with a positive predictive value of 95%. This variant disrupts the p.Val633 amino acid residue in MUT. Other variant(s) that disrupt this residue have been determined to be pathogenic (PMID: 9554742, 16281286, 17113806, 25125334). This suggests that this residue is clinically significant, and that variants that disrupt this residue are likely to be disease-causing. In summary, the currently available evidence indicates that the variant is pathogenic, but additional data are needed to prove that conclusively. Therefore, this variant has been classified as Likely Pathogenic.

Literature cited by the submitters: PubMed 9554742; PubMed 16281286; PubMed 17113806; PubMed 25125334.